The following is an entry in ClinVar:

NM_016464.5(TMEM138):c.-28C>T

Gene: TMEM138 (transmembrane protein 138; plus strand). Cytogenetic location: 11q12.2.
Variant type: single nucleotide variant.
Coding change: c.-28C>T on transcript NM_016464.5 (MANE Select); 28 bases upstream of the start codon, C replaced by T.
Molecular consequence: 5 prime UTR variant. On other transcripts: intron variant (1).
Genome position (GRCh38, 1-based): chr11:61,364,363, C>T. VCF-style: chr11-61364363-C-T. GRCh37 (hg19) VCF-style: chr11-61131835-C-T.
Other names: c.-28C>T (NM_001410997.1, NM_001410998.1, NM_001410999.1); c.-47+48C>T (NM_001330281.2).
Identifiers: ClinVar variation 3044895 (VCV003044895.2), dbSNP rs759917662, ClinGen allele CA6034491.

ClinVar aggregate classification (germline): Likely benign (0 of 4 stars; one submission).

Conditions:
TMEM138-related disorder. Also called: TMEM138-related condition.

Allele frequency attached by ClinVar (database versions not stated): ExAC 0.00003.
gnomAD v4.1: 7 of 1,612,730 alleles (0.00043%); highest among the groups gnomAD compares: South Asian, 0.0055%; no homozygotes.

Submission:

PreventionGenetics, part of Exact Sciences
Classification: Likely benign for TMEM138-related condition. Last evaluated: 2022-10-21. Review status: no assertion criteria provided. Collection method: clinical testing. Allele origin: germline.
Comment: This variant is classified as likely benign based on ACMG/AMP sequence variant interpretation guidelines (Richards et al. 2015 PMID: 25741868, with internal and published modifications).